The following is an entry in ClinVar:

ClinVar aggregate classification (germline): Uncertain significance. Review status: criteria provided, multiple submitters, no conflicts (2 of 4 stars). 2 submissions from 2 submitters: Uncertain significance (2). Last evaluated 2025-03-17.

Allele frequency attached by ClinVar (database versions not stated): gnomAD exomes 0.00001; TOPMed 0.00001.

Submissions (2):

Women's Health and Genetics/Laboratory Corporation of America, LabCorp
Classification: Uncertain significance. Last evaluated: 2025-03-17. Review status: criteria provided, single submitter. Criteria: LabCorp Variant Classification Summary - May 2015. Collection method: clinical testing. Allele origin: germline.
Comment: Variant summary: LAMA1 c.3647_3649dupCGT (p.Pro1216_Phe1217insSer) results in an in-frame insertion that is predicted to insert 1 amino acid into the encoded protein. The variant allele was found at a frequency of 1.6e-05 in 245324 control chromosomes (gnomAD). The available data on variant occurrences in the general population are insufficient to allow any conclusion about variant significance. To our knowledge, no occurrence of c.3647_3649dupCGT in individuals affected with Ataxia-Intellectual Disability-Oculomotor Apraxia-Cerebellar Cysts Syndrome and no experimental evidence demonstrating its impact on protein function have been reported. ClinVar contains an entry for this variant (Variation ID: 2446290). Based on the evidence outlined above, the variant was classified as uncertain significance.

GeneDx
Classification: Uncertain significance. Last evaluated: 2024-12-02. Review status: criteria provided, single submitter. Criteria: GeneDx Variant Classification Process June 2021. Collection method: clinical testing. Allele origin: germline.
Comment: Not observed at significant frequency in large population cohorts (gnomAD); In-frame insertion of 1 amino acids in a non-repeat region; Has not been previously published as pathogenic or benign to our knowledge

NM_005559.4(LAMA1):c.3647_3649dup (p.Pro1216_Phe1217insSer)

Gene: LAMA1 (laminin subunit alpha 1; minus strand). Cytogenetic location: 18p11.31.
Variant type: Duplication.
Coding change: c.3647_3649dup on transcript NM_005559.4 (MANE Select); coding-DNA positions 3647 to 3649, 3 bases duplicated (CGT; older notation c.3647_3649dupCGT).
Protein change: p.Pro1216_Phe1217insSer.
Molecular consequence: inframe insertion.
Genome position (GRCh38, 1-based): chr18:7,011,338-7,011,340, ACG duplicated on the plus strand (CGT on the coding strand, the reverse complement: LAMA1 is on the minus strand). VCF-style (leftmost placement, unchanged base first): chr18-7011337-A-AACG. GRCh37 (hg19) VCF-style: chr18-7011336-A-AACG.
Other names: c.3647_3649dupCGT (NM_005559.4).
Identifiers: ClinVar variation 2446290 (VCV002446290.3), dbSNP rs1466338539, ClinGen allele CA502488139.